The following is an entry in ClinVar:

ClinVar aggregate classification (germline): Likely benign (1 of 4 stars; one submission).

Submission:

CeGaT Center for Human Genetics Tuebingen
Classification: Likely benign. Last evaluated: 2026-03-01. Review status: criteria provided, single submitter. Criteria: CeGaT Center For Human Genetics Tuebingen Variant Classification Criteria Version 2. Collection method: clinical testing. Allele origin: germline. Affected: yes. Observed: 1 variant allele.
Comment: HYDIN: BP4, BP7

NM_001270974.2(HYDIN):c.11481G>C (p.Val3827=)

Gene: HYDIN (HYDIN axonemal central pair apparatus protein; minus strand). Cytogenetic location: 16q22.2.
Variant type: single nucleotide variant.
Coding change: c.11481G>C on transcript NM_001270974.2 (MANE Select); coding-DNA position 11481, G replaced by C.
Protein change: p.Val3827=; no amino-acid change (valine 3827 retained).
Molecular consequence: synonymous variant.
Genome position (GRCh38, 1-based): chr16:70,863,173, C>G on the plus strand (G>C on the coding strand, the complement: HYDIN is on the minus strand). VCF-style: chr16-70863173-C-G. GRCh37 (hg19) VCF-style: chr16-70897076-C-G.
Identifiers: ClinVar variation 4823632 (VCV004823632.4).